The following is an entry in ClinVar:

NM_130839.5(UBE3A):c.779T>A (p.Leu260Ter)

Genes: SNHG14 (small nucleolar RNA host gene 14; plus strand), UBE3A (ubiquitin protein ligase E3A; minus strand). Cytogenetic location: 15q11.2.
Variant type: single nucleotide variant.
Coding change: c.779T>A on transcript NM_130839.5 (MANE Select); coding-DNA position 779, T replaced by A.
Protein change: p.Leu260Ter; replaces leucine 260 with a stop codon.
Molecular consequence: nonsense. On other transcripts: non-coding transcript variant (1), intron variant (2).
Genome position (GRCh38, 1-based): chr15:25,371,395, A>T on the plus strand (T>A on the coding strand, the complement: UBE3A is on the minus strand). VCF-style: chr15-25371395-A-T. GRCh37 (hg19) VCF-style: chr15-25616542-A-T.
Other names: c.788T>A, p.Leu263Ter (NM_000462.5); c.779T>A, p.Leu260Ter (NM_001354505.1, NM_001354538.2, NM_001354545.2); c.719T>A, p.Leu240Ter (NM_001354506.2, NM_001354507.2, NM_001354508.2 and 17 more transcripts); c.602T>A, p.Leu201Ter (NM_001354546.2); c.301+4070T>A (NM_001354551.2); c.361+4070T>A (NM_001354550.2); short protein forms L201*, L240*, L260*, L263*.
Identifiers: ClinVar variation 2499676 (VCV002499676.1), dbSNP rs2552191711, ClinGen allele CA391355097.

ClinVar aggregate classification (germline): Pathogenic (1 of 4 stars; one submission).

Conditions:
Angelman syndrome (AS). Also called: HAPPY PUPPET SYNDROME. Identifiers: Orphanet 72, MedGen C0162635, MONDO:0007113, OMIM 105830. Disease mechanism: loss of function. Inheritance: AS is caused by disruption of maternally imprinted UBE3A located within the 15q11.2-q13 Angelman syndrome/Prader-Willi syndrome (AS/PWS) region., imprinting disorder.

Submission:

Institute of Human Genetics, FAU Erlangen, Friedrich-Alexander-Universität Erlangen-Nürnberg
Classification: Pathogenic for Angelman syndrome. Last evaluated: 2023-04-25. Review status: criteria provided, single submitter. Criteria: Hauer et al. (Genet Med. 2018). Collection method: clinical testing. Allele origin: germline. Inheritance: Autosomal dominant inheritance. Affected: yes. Observed: 2 variant alleles.
Comment: This variant has been identified by standard clinical testing. Selected ACMG criteria: Pathogenic (I):PP4;PM2;PVS1